The following is an entry in ClinVar:

NM_004990.4(MARS1):c.564T>G (p.Thr188=)

Gene: MARS1 (methionyl-tRNA synthetase 1; plus strand). Cytogenetic location: 12q13.3.
Variant type: single nucleotide variant.
Coding change: c.564T>G on transcript NM_004990.4 (MANE Select); coding-DNA position 564, T replaced by G.
Protein change: p.Thr188=; no amino-acid change (threonine 188 retained).
Molecular consequence: synonymous variant.
Genome position (GRCh38, 1-based): chr12:57,490,280, T>G. VCF-style: chr12-57490280-T-G. GRCh37 (hg19) VCF-style: chr12-57884063-T-G.
Identifiers: ClinVar variation 2026934 (VCV002026934.4), dbSNP rs778106796, ClinGen allele CA385491937.

ClinVar aggregate classification (germline): Uncertain significance (1 of 4 stars; one submission).

Conditions:
Severe early-onset pulmonary alveolar proteinosis due to MARS deficiency. Also called: Interstitial lung and liver disease; PULMONARY ALVEOLAR PROTEINOSIS, REUNION ISLAND. Identifiers: Orphanet 440427, MedGen C4225400, MONDO:0014206, OMIM 615486.
Charcot-Marie-Tooth disease axonal type 2U. Also called: CHARCOT-MARIE-TOOTH NEUROPATHY, TYPE 2U; CHARCOT-MARIE-TOOTH DISEASE, AXONAL, AUTOSOMAL DOMINANT, TYPE 2U. Identifiers: Orphanet 397735, MedGen C4084821, MONDO:0014566, OMIM 616280.

Submission:

Labcorp Genetics (formerly Invitae), Labcorp
Classification: Uncertain significance for Charcot-Marie-Tooth disease axonal type 2U; Severe early-onset pulmonary alveolar proteinosis due to MARS deficiency. Last evaluated: 2022-09-20. Review status: criteria provided, single submitter. Criteria: Invitae Variant Classification Sherloc (09022015). Collection method: clinical testing. Allele origin: germline.
Comment: In summary, the available evidence is currently insufficient to determine the role of this variant in disease. Therefore, it has been classified as a Variant of Uncertain Significance. Algorithms developed to predict the effect of sequence changes on RNA splicing suggest that this variant may create or strengthen a splice site. This variant has not been reported in the literature in individuals affected with MARS-related conditions. This variant is not present in population databases (gnomAD no frequency). This sequence change affects codon 188 of the MARS mRNA. It is a 'silent' change, meaning that it does not change the encoded amino acid sequence of the MARS protein.